The following is an entry in ClinVar:

ClinVar aggregate classification (germline): Likely benign. Review status: criteria provided, multiple submitters, no conflicts (2 of 4 stars). 3 submissions from 3 submitters: Likely benign (3). Last evaluated 2026-01-27.

Conditions:
Severe combined immunodeficiency due to IKK2 deficiency. Also called: Immunodeficiency 15; IMMUNODEFICIENCY 15B. Identifiers: Orphanet 397787, MedGen C4747743, MONDO:0014267, OMIM 615592.

Allele frequency attached by ClinVar (database versions not stated): gnomAD 0.00067 and 0.00070; ESP Exome Variant Server 0.00077; gnomAD exomes 0.00079 and 0.00043; 1000 Genomes Project 0.00120; 1000 Genomes Project 30x 0.00141; TOPMed 0.00147; ExAC 0.00046.
gnomAD v4.1: 1,253 of 1,613,986 alleles (0.078%); highest among the groups gnomAD compares: Admixed American, 0.17%; 2 homozygotes.

Submissions (3):

Labcorp Genetics (formerly Invitae), Labcorp
Classification: Likely benign for Severe combined immunodeficiency due to IKK2 deficiency. Last evaluated: 2026-01-27. Review status: criteria provided, single submitter. Criteria: Invitae Variant Classification Sherloc (09022015). Collection method: clinical testing. Allele origin: germline.

Blueprint Genetics
Classification: Likely benign. Last evaluated: 2024-10-03. Review status: criteria provided, single submitter. Criteria: ACMG Guidelines, 2015. Collection method: clinical testing. Allele origin: germline.

CeGaT Center for Human Genetics Tuebingen
Classification: Likely benign. Last evaluated: 2023-02-01. Review status: criteria provided, single submitter. Criteria: CeGaT Center For Human Genetics Tuebingen Variant Classification Criteria Version 2. Collection method: clinical testing. Allele origin: germline. Affected: yes. Observed: 1 variant allele.
Comment: IKBKB: BP4, BP7

NM_001556.3(IKBKB):c.738C>T (p.Ser246=)

Gene: IKBKB (inhibitor of nuclear factor kappa B kinase subunit beta; plus strand). Cytogenetic location: 8p11.21.
Variant type: single nucleotide variant.
Coding change: c.738C>T on transcript NM_001556.3 (MANE Select); coding-DNA position 738, C replaced by T.
Protein change: p.Ser246=; no amino-acid change (serine 246 retained).
Molecular consequence: synonymous variant. On other transcripts: non-coding transcript variant (3).
Genome position (GRCh38, 1-based): chr8:42,314,367, C>T. VCF-style: chr8-42314367-C-T. GRCh37 (hg19) VCF-style: chr8-42171885-C-T.
Other names: c.546C>T, p.Ser182= (NM_001190720.3); c.561C>T, p.Ser187= (NM_001242778.2).
Identifiers: ClinVar variation 541647 (VCV000541647.36), dbSNP rs151151310, ClinGen allele CA4731786.